The following is an entry in ClinVar:

ClinVar aggregate classification (germline): Uncertain significance (1 of 4 stars; one submission).

Submission:

GeneDx
Classification: Uncertain significance. Last evaluated: 2019-10-07. Review status: criteria provided, single submitter. Criteria: GeneDx Variant Classification Process June 2021. Collection method: clinical testing. Allele origin: germline. Affected: yes.
Comment: Not observed in large population cohorts (Lek et al., 2016); Has not been previously published as pathogenic or benign to our knowledge; In silico analysis, which includes splice predictors and evolutionary conservation, supports that this variant does not alter protein structure/function; De novo variant with confirmed parentage

NM_031407.7(HUWE1):c.12633C>T (p.Cys4211=)

Gene: HUWE1 (HECT, UBA and WWE domain containing E3 ubiquitin protein ligase 1; minus strand). Cytogenetic location: Xp11.22.
Variant type: single nucleotide variant.
Coding change: c.12633C>T on transcript NM_031407.7 (MANE Select); coding-DNA position 12633, C replaced by T.
Protein change: p.Cys4211=; no amino-acid change (cysteine 4211 retained).
Molecular consequence: synonymous variant.
Genome position (GRCh38, 1-based): chrX:53,535,400, G>A on the plus strand (C>T on the coding strand, the complement: HUWE1 is on the minus strand). VCF-style: chrX-53535400-G-A. GRCh37 (hg19) VCF-style: chrX-53562361-G-A.
Identifiers: ClinVar variation 1215814 (VCV001215814.3), dbSNP rs2146826004, ClinGen allele CA516422081.